The following is an entry in ClinVar:

NM_003126.4(SPTA1):c.853C>G (p.Pro285Ala)

Gene: SPTA1 (spectrin alpha, erythrocytic 1; minus strand). Cytogenetic location: 1q23.1.
Variant type: single nucleotide variant.
Coding change: c.853C>G on transcript NM_003126.4 (MANE Select); coding-DNA position 853, C replaced by G.
Protein change: p.Pro285Ala; replaces proline 285 with alanine.
Molecular consequence: missense variant.
Genome position (GRCh38, 1-based): chr1:158,677,794, G>C on the plus strand (C>G on the coding strand, the complement: SPTA1 is on the minus strand). VCF-style: chr1-158677794-G-C. GRCh37 (hg19) VCF-style: chr1-158647584-G-C.
Other names: short protein forms P285A.
Identifiers: ClinVar variation 1697091 (VCV001697091.2), dbSNP rs150007668, ClinGen allele CA1183993.

ClinVar aggregate classification (germline): Uncertain significance (1 of 4 stars; one submission).

Allele frequency attached by ClinVar (database versions not stated): 1000 Genomes Project 30x 0.00016.
gnomAD v4.1: 22 of 1,613,650 alleles (0.0014%); highest among the groups gnomAD compares: African/African-American, 0.012%; no homozygotes.

Submission:

GeneDx
Classification: Uncertain significance. Last evaluated: 2022-01-06. Review status: criteria provided, single submitter. Criteria: GeneDx Variant Classification Process June 2021. Collection method: clinical testing. Allele origin: germline. Affected: yes.
Comment: In silico analysis supports that this missense variant does not alter protein structure/function; Has not been previously published as pathogenic or benign to our knowledge